The following is an entry in ClinVar:

NM_003000.3(SDHB):c.177G>A (p.Gln59=)

Gene: SDHB (succinate dehydrogenase complex iron sulfur subunit B; minus strand). Cytogenetic location: 1p36.13.
Variant type: single nucleotide variant.
Coding change: c.177G>A on transcript NM_003000.3 (MANE Select); coding-DNA position 177, G replaced by A.
Protein change: p.Gln59=; no amino-acid change (glutamine 59 retained).
Molecular consequence: synonymous variant.
Genome position (GRCh38, 1-based): chr1:17,044,784, C>T on the plus strand (G>A on the coding strand, the complement: SDHB is on the minus strand). VCF-style: chr1-17044784-C-T. GRCh37 (hg19) VCF-style: chr1-17371279-C-T.
Other names: c.177G>A, p.Gln59= (NM_001407361.1).
Identifiers: ClinVar variation 4985092 (VCV004985092.1).

ClinVar aggregate classification (germline): Likely benign (1 of 4 stars; one submission).

Conditions:
SDHB-related disorder. Also called: SDHB-related condition; SDHB-related disorders. Identifiers: MedGen CN239418.

Submission:

PreventionGenetics, part of Exact Sciences
Classification: Likely benign for SDHB-related condition. Last evaluated: 2026-01-11. Review status: criteria provided, single submitter. Criteria: ACMG Guidelines, 2015. Collection method: clinical testing. Allele origin: germline.
Comment: This variant is classified as likely benign based on ACMG/AMP sequence variant interpretation guidelines (Richards et al. 2015 PMID: 25741868, with internal and published modifications).